The following is an entry in ClinVar:

NM_001130004.2(ACTN1):c.779A>G (p.Asn260Ser)

Gene: ACTN1 (actinin alpha 1; minus strand). Cytogenetic location: 14q24.1.
Variant type: single nucleotide variant.
Coding change: c.779A>G on transcript NM_001130004.2 (MANE Select); coding-DNA position 779, A replaced by G.
Protein change: p.Asn260Ser; replaces asparagine 260 with serine.
Molecular consequence: missense variant.
Genome position (GRCh38, 1-based): chr14:68,893,731, T>C on the plus strand (A>G on the coding strand, the complement: ACTN1 is on the minus strand). VCF-style: chr14-68893731-T-C. GRCh37 (hg19) VCF-style: chr14-69360448-T-C.
Other names: c.584A>G, p.Asn195Ser (NM_001411036.1); c.779A>G, p.Asn260Ser (NM_001102.4, NM_001130005.2, NM_001411035.1); short protein forms N260S, N195S.
Identifiers: ClinVar variation 1960442 (VCV001960442.5), dbSNP rs2032676678, ClinGen allele CA390189341.
Genomic context (GRCh38, chr14:68,893,731, plus strand): 5'-TCGTAGTCTTCCATAAGCTGCTCGTTCTCCTGGTTGACGGCCAACACCTTGCAGATGCGA[T>C]TGGCTGCTGTCTCCGCCTGGCAACAAGACAGAGAGAGTCACGACCAGCCAGCCCCAGCAG-3'
Protein context (NP_001123476.1, residues 250-270): SGAQKAETAA[Asn260Ser]RICKVLAVNQ

ClinVar aggregate classification (germline): Uncertain significance (1 of 4 stars; one submission).

Allele frequency attached by ClinVar (database versions not stated): gnomAD exomes below 0.00001.

Submission:

Labcorp Genetics (formerly Invitae), Labcorp
Classification: Uncertain significance. Last evaluated: 2023-05-05. Review status: criteria provided, single submitter. Criteria: Invitae Variant Classification Sherloc (09022015). Collection method: clinical testing. Allele origin: germline.
Comment: In summary, the available evidence is currently insufficient to determine the role of this variant in disease. Therefore, it has been classified as a Variant of Uncertain Significance. An algorithm developed to predict the effect of missense changes on protein structure and function (PolyPhen-2) suggests that this variant is likely to be tolerated. ClinVar contains an entry for this variant (Variation ID: 1960442). This variant has not been reported in the literature in individuals affected with ACTN1-related conditions. This variant is not present in population databases (gnomAD no frequency). This sequence change replaces asparagine, which is neutral and polar, with serine, which is neutral and polar, at codon 260 of the ACTN1 protein (p.Asn260Ser).